The following is an entry in ClinVar:

ClinVar aggregate classification (germline): Uncertain significance (1 of 4 stars; one submission).

Conditions:
Cardiovascular phenotype. Identifiers: MedGen CN230736.

Allele frequency attached by ClinVar (database versions not stated): gnomAD exomes below 0.00001; gnomAD 0.00001.

Submission:

Ambry Genetics
Classification: Uncertain significance for Cardiovascular phenotype. Last evaluated: 2024-09-20. Review status: criteria provided, single submitter. Criteria: Ambry Variant Classification Scheme 2023. Collection method: clinical testing. Allele origin: germline.
Comment: The p.L745V variant (also known as c.2233C>G), located in coding exon 15 of the ABCA1 gene, results from a C to G substitution at nucleotide position 2233. The leucine at codon 745 is replaced by valine, an amino acid with highly similar properties. This amino acid position is conserved. In addition, this alteration is predicted to be deleterious by in silico analysis. Since supporting evidence is limited at this time, the clinical significance of this alteration remains unclear.

NM_005502.4(ABCA1):c.2233C>G (p.Leu745Val)

Gene: ABCA1 (ATP binding cassette subfamily A member 1; minus strand). Cytogenetic location: 9q31.1.
Variant type: single nucleotide variant.
Coding change: c.2233C>G on transcript NM_005502.4 (MANE Select); coding-DNA position 2233, C replaced by G.
Protein change: p.Leu745Val; replaces leucine 745 with valine.
Molecular consequence: missense variant.
Genome position (GRCh38, 1-based): chr9:104,827,052, G>C on the plus strand (C>G on the coding strand, the complement: ABCA1 is on the minus strand). VCF-style: chr9-104827052-G-C. GRCh37 (hg19) VCF-style: chr9-107589333-G-C.
Other names: short protein forms L745V.
Identifiers: ClinVar variation 1788152 (VCV001788152.3), dbSNP rs1188743579, ClinGen allele CA374321747.